The following is an entry in ClinVar:

NM_145166.4(ZBTB47):c.818A>G (p.Gln273Arg)

Gene: ZBTB47 (zinc finger and BTB domain containing 47; plus strand). Cytogenetic location: 3p22.1.
Variant type: single nucleotide variant.
Coding change: c.818A>G on transcript NM_145166.4 (MANE Select); coding-DNA position 818, A replaced by G.
Protein change: p.Gln273Arg; replaces glutamine 273 with arginine.
Molecular consequence: missense variant.
Genome position (GRCh38, 1-based): chr3:42,659,173, A>G. VCF-style: chr3-42659173-A-G. GRCh37 (hg19) VCF-style: chr3-42700665-A-G.
Other names: c.902A>G, p.Gln301Arg (NM_001410746.1); short protein forms Q273R, Q301R.
Identifiers: ClinVar variation 3369751 (VCV003369751.1).
Genomic context (GRCh38, chr3:42,659,173, plus strand): 5'-GGAAGCCAGGTGCCGGGCCAAGCCCAGCCACCGTGGTTCTGGGCCGGGAGGACGGGCTGC[A>G]GAGACACTCGGACGAGGAGGAGGAGGACGACGAGGAGGAGGAGGAGGAAGAAGAGGAAGA-3'
Protein context (NP_660149.2, residues 263-283): TVVLGREDGL[Gln273Arg]RHSDEEEEDD

ClinVar aggregate classification (germline): Uncertain significance (1 of 4 stars; one submission).

Submission:

GeneDx
Classification: Uncertain significance. Last evaluated: 2024-02-23. Review status: criteria provided, single submitter. Criteria: GeneDx Variant Classification Process June 2021. Collection method: clinical testing. Allele origin: germline. Affected: yes.
Comment: Not observed at significant frequency in large population cohorts (gnomAD); In silico analysis supports that this missense variant does not alter protein structure/function; Has not been previously published as pathogenic or benign to our knowledge